The following is an entry in ClinVar:

ClinVar aggregate classification (germline): Uncertain significance. Review status: criteria provided, multiple submitters, no conflicts (2 of 4 stars). 4 submissions from 4 submitters: Uncertain significance (4). Last evaluated 2024-06-07.

Conditions:
Brugada syndrome 8 (BRGDA8). Identifiers: Orphanet 130, MedGen C2751083, MONDO:0013148, OMIM 613123.
Cardiovascular phenotype. Identifiers: MedGen CN230736.

Allele frequency attached by ClinVar (database versions not stated): gnomAD exomes below 0.00001.
gnomAD v4.1: 7 of 1,614,184 alleles (0.00043%); highest among the groups gnomAD compares: Non-Finnish European, 0.00059%; no homozygotes.

Submissions (4):

Ambry Genetics
Classification: Uncertain significance for Cardiovascular phenotype. Last evaluated: 2024-06-07. Review status: criteria provided, single submitter. Criteria: Ambry Variant Classification Scheme 2023. Collection method: clinical testing. Allele origin: germline.
Comment: The p.K334E variant (also known as c.1000A>G), located in coding exon 2 of the HCN4 gene, results from an A to G substitution at nucleotide position 1000. The lysine at codon 334 is replaced by glutamic acid, an amino acid with similar properties. This amino acid position is conserved. In addition, this alteration is predicted to be deleterious by in silico analysis. Based on the available evidence, the clinical significance of this variant remains unclear.

Labcorp Genetics (formerly Invitae), Labcorp
Classification: Uncertain significance for Brugada syndrome 8. Last evaluated: 2022-03-23. Review status: criteria provided, single submitter. Criteria: Invitae Variant Classification Sherloc (09022015). Collection method: clinical testing. Allele origin: germline.
Comment: Advanced modeling of protein sequence and biophysical properties (such as structural, functional, and spatial information, amino acid conservation, physicochemical variation, residue mobility, and thermodynamic stability) performed at Invitae indicates that this missense variant is expected to disrupt HCN4 protein function. This variant has not been reported in the literature in individuals affected with HCN4-related conditions. This variant is present in population databases (no rsID available, gnomAD 0.0009%). This sequence change replaces lysine, which is basic and polar, with glutamic acid, which is acidic and polar, at codon 334 of the HCN4 protein (p.Lys334Glu). In summary, the available evidence is currently insufficient to determine the role of this variant in disease. Therefore, it has been classified as a Variant of Uncertain Significance.

AiLife Diagnostics
Classification: Uncertain significance. Last evaluated: 2022-01-10. Review status: criteria provided, single submitter. Criteria: ACMG Guidelines, 2015. Collection method: clinical testing. Allele origin: germline. Affected: yes. Observed: 1 variant allele.

Blueprint Genetics
Classification: Uncertain significance. Last evaluated: 2021-05-12. Review status: criteria provided, single submitter. Criteria: ACMG Guidelines, 2015. Collection method: clinical testing. Allele origin: germline.

NM_005477.3(HCN4):c.1000A>G (p.Lys334Glu)

Genes: HCN4 (hyperpolarization activated cyclic nucleotide gated potassium channel 4; minus strand), LOC105370890 (uncharacterized LOC105370890; plus strand), LOC126862173 (CDK7 strongly-dependent group 2 enhancer GRCh37_chr15:73635762-73636961; plus strand). Cytogenetic location: 15q24.1.
Variant type: single nucleotide variant.
Coding change: c.1000A>G on transcript NM_005477.3 (MANE Select); coding-DNA position 1000, A replaced by G.
Protein change: p.Lys334Glu; replaces lysine 334 with glutamic acid.
Molecular consequence: missense variant.
Genome position (GRCh38, 1-based): chr15:73,343,594, T>C on the plus strand (A>G on the coding strand, the complement: HCN4 is on the minus strand). VCF-style: chr15-73343594-T-C. GRCh37 (hg19) VCF-style: chr15-73635935-T-C.
Other names: c.1000A>G (NM_005477.2); short protein forms K334E.
Identifiers: ClinVar variation 1677800 (VCV001677800.8), dbSNP rs1316189390, ClinGen allele CA393095076.